The following is an entry in ClinVar:

NM_001903.5(CTNNA1):c.1A>G (p.Met1Val)

Gene: CTNNA1 (catenin alpha 1; plus strand). Cytogenetic location: 5q31.2.
Variant type: single nucleotide variant.
Coding change: c.1A>G on transcript NM_001903.5 (MANE Select); coding-DNA position 1, A replaced by G.
Protein change: p.Met1Val; changes the start codon (methionine 1).
Molecular consequence: missense variant, initiator codon variant. On other transcripts: 5 prime UTR variant (2).
Genome position (GRCh38, 1-based): chr5:138,781,925, A>G. VCF-style: chr5-138781925-A-G. GRCh37 (hg19) VCF-style: chr5-138117614-A-G.
Other names: c.1A>G, p.Met1Val (NM_001290307.3, NM_001323982.2, NM_001323983.1 and 3 more transcripts); c.-113A>G (NM_001290309.3); c.-206A>G (NM_001290310.3); short protein forms M1V.
Identifiers: ClinVar variation 2732746 (VCV002732746.3), dbSNP rs2532170047, ClinGen allele CA361477015.

ClinVar aggregate classification (germline): Uncertain significance (1 of 4 stars; one submission).

Submission:

Labcorp Genetics (formerly Invitae), Labcorp
Classification: Uncertain significance. Last evaluated: 2023-06-29. Review status: criteria provided, single submitter. Criteria: Invitae Variant Classification Sherloc (09022015). Collection method: clinical testing. Allele origin: germline.
Comment: In summary, the available evidence is currently insufficient to determine the role of this variant in disease. Therefore, it has been classified as a Variant of Uncertain Significance. Algorithms developed to predict the effect of sequence changes on RNA splicing suggest that this variant may create or strengthen a splice site. This variant has not been reported in the literature in individuals affected with CTNNA1-related conditions. This variant is not present in population databases (gnomAD no frequency). This sequence change affects the initiator methionine of the CTNNA1 mRNA. The next in-frame methionine is located at codon 104.